The following is an entry in ClinVar:

NM_000100.4(CSTB):c.106C>T (p.Pro36Ser)

Gene: CSTB (cystatin B; minus strand). Cytogenetic location: 21q22.3.
Variant type: single nucleotide variant.
Coding change: c.106C>T on transcript NM_000100.4 (MANE Select); coding-DNA position 106, C replaced by T.
Protein change: p.Pro36Ser; replaces proline 36 with serine.
Molecular consequence: missense variant.
Genome position (GRCh38, 1-based): chr21:43,774,720, G>A on the plus strand (C>T on the coding strand, the complement: CSTB is on the minus strand). VCF-style: chr21-43774720-G-A. GRCh37 (hg19) VCF-style: chr21-45194601-G-A.
Other names: short protein forms P36S.
Identifiers: ClinVar variation 967842 (VCV000967842.9), dbSNP rs748162136, ClinGen allele CA10048937.

ClinVar aggregate classification (germline): Uncertain significance (1 of 4 stars; one submission).

Conditions:
Progressive myoclonic epilepsy. Also called: Familial progressive myoclonic epilepsy; Myoclonus epilepsy; Progressive myoclonus epilepsy; Myoclonic Epilepsies, Progressive. Identifiers: Orphanet 308, Orphanet 98261, MedGen C0751778, MONDO:0020074.

Allele frequency attached by ClinVar (database versions not stated): gnomAD exomes below 0.00001; ExAC 0.00001.

Submission:

Labcorp Genetics (formerly Invitae), Labcorp
Classification: Uncertain significance for Progressive myoclonic epilepsy. Last evaluated: 2020-01-28. Review status: criteria provided, single submitter. Criteria: Invitae Variant Classification Sherloc (09022015). Collection method: clinical testing. Allele origin: germline.
Comment: This variant is present in population databases (rs748162136, ExAC 0.006%). In summary, the available evidence is currently insufficient to determine the role of this variant in disease. Therefore, it has been classified as a Variant of Uncertain Significance. Algorithms developed to predict the effect of missense changes on protein structure and function output the following: SIFT: "Tolerated"; PolyPhen-2: "Benign"; Align-GVGD: "Class C0". The serine amino acid residue is found in multiple mammalian species, suggesting that this missense change does not adversely affect protein function. These predictions have not been confirmed by published functional studies and their clinical significance is uncertain. This variant has not been reported in the literature in individuals with CSTB-related conditions. This sequence change replaces proline with serine at codon 36 of the CSTB protein (p.Pro36Ser). The proline residue is weakly conserved and there is a moderate physicochemical difference between proline and serine.